The following is an entry in ClinVar:

ClinVar aggregate classification (germline): Uncertain significance. Review status: criteria provided, multiple submitters, no conflicts (2 of 4 stars). 3 submissions from 3 submitters: Uncertain significance (3). Last evaluated 2026-01-27.

Conditions:
RYR1-related disorder. Also called: RYR1-related disorders; RYR1-related condition. Identifiers: MedGen CN239331.
King Denborough syndrome (KDS). Identifiers: MedGen C1840365, MONDO:0020485, OMIM 619542.
Central core myopathy (CMYO1A). Also called: Central core disease; Myopathy, central fibrillar; CONGENITAL MYOPATHY 1A, AUTOSOMAL DOMINANT, WITH SUSCEPTIBILITY TO MALIGNANT HYPERTHERMIA. Identifiers: Orphanet 597, MedGen C5830701, MONDO:0007294, OMIM 117000.

Allele frequency attached by ClinVar (database versions not stated): gnomAD exomes below 0.00001 and 0.00001; gnomAD 0.00001; TOPMed 0.00001; ExAC 0.00002.
gnomAD v4.1: 7 of 1,613,856 alleles (0.00043%); highest among the groups gnomAD compares: African/African-American, 0.0027%; no homozygotes.

Submissions (3):

GeneDx
Classification: Uncertain significance. Last evaluated: 2026-01-27. Review status: criteria provided, single submitter. Criteria: GeneDx Variant Classification Process June 2021. Collection method: clinical testing. Allele origin: germline.
Comment: Not observed at significant frequency in large population cohorts (gnomAD); In silico analysis supports that this missense variant has a deleterious effect on protein structure/function; Has not been previously published as pathogenic or benign to our knowledge

Institute of Immunology and Genetics Kaiserslautern
Classification: Uncertain significance for King Denborough syndrome; Central core myopathy. Last evaluated: 2023-10-10. Review status: criteria provided, single submitter. Criteria: ACMG Guidelines, 2015. Collection method: clinical testing. Allele origin: germline.
Comment: ACMG Criteria: PM2_P, PP3; Variant was found in heterozygous state.

Labcorp Genetics (formerly Invitae), Labcorp
Classification: Uncertain significance for RYR1-related disorder. Last evaluated: 2021-09-24. Review status: criteria provided, single submitter. Criteria: Invitae Variant Classification Sherloc (09022015). Collection method: clinical testing. Allele origin: germline.
Comment: This sequence change replaces tyrosine with cysteine at codon 639 of the RYR1 protein (p.Tyr639Cys). The tyrosine residue is highly conserved and there is a large physicochemical difference between tyrosine and cysteine. This variant is present in population databases (rs747459771, ExAC 0.006%). This variant has not been reported in the literature in individuals affected with RYR1-related conditions. Algorithms developed to predict the effect of missense changes on protein structure and function are either unavailable or do not agree on the potential impact of this missense change (SIFT: "Deleterious"; PolyPhen-2: "Probably Damaging"; Align-GVGD: "Class C0"). In summary, the available evidence is currently insufficient to determine the role of this variant in disease. Therefore, it has been classified as a Variant of Uncertain Significance.

NM_000540.3(RYR1):c.1916A>G (p.Tyr639Cys)

Gene: RYR1 (ryanodine receptor 1; plus strand). Cytogenetic location: 19q13.2.
Variant type: single nucleotide variant.
Coding change: c.1916A>G on transcript NM_000540.3 (MANE Select); coding-DNA position 1916, A replaced by G.
Protein change: p.Tyr639Cys; replaces tyrosine 639 with cysteine.
Molecular consequence: missense variant.
Genome position (GRCh38, 1-based): chr19:38,457,621, A>G. VCF-style: chr19-38457621-A-G. GRCh37 (hg19) VCF-style: chr19-38948261-A-G.
Other names: c.1916A>G, p.Tyr639Cys (NM_001042723.2); c.1916A>G (NM_000540.2); short protein forms Y639C.
Identifiers: ClinVar variation 1508794 (VCV001508794.7), dbSNP rs747459771, ClinGen allele CA062571.